The following is an entry in ClinVar:

NM_024426.6(WT1):c.609_611delinsTGA (p.Ala204Glu)

Genes: WT1 (WT1 transcription factor; minus strand), LOC107982234 (WT1/WT1-AS bi-directional promoter region; plus strand). Cytogenetic location: 11p13.
Variant type: Indel.
Coding change: c.609_611delinsTGA on transcript NM_024426.6 (MANE Select); coding-DNA positions 609 to 611, CGC replaced by TGA.
Protein change: p.Ala204Glu; replaces alanine 204 with glutamic acid.
Molecular consequence: missense variant. On other transcripts: non-coding transcript variant (1).
Genome position (GRCh38, 1-based): chr11:32,434,750-32,434,752, GCG replaced by TCA on the plus strand (CGC replaced by TGA on the coding strand, the reverse complement: WT1 is on the minus strand). VCF-style: chr11-32434750-GCG-TCA. GRCh37 (hg19) VCF-style: chr11-32456296-GCG-TCA.
Other names: c.594_596delCGCinsTGA (NM_024426.4); c.609_611delinsTGA, p.Ala204Glu (NM_000378.6, NM_024424.5); short protein forms A204E.
Identifiers: ClinVar variation 591407 (VCV000591407.2), dbSNP rs1565001078, ClinGen allele CA891862870.

ClinVar aggregate classification (germline): Uncertain significance. Review status: criteria provided, single submitter (1 of 4 stars). 2 submissions from 2 submitters: Uncertain significance (1). 1 of the submissions does not count toward it. Last evaluated 2025-08-19.

Conditions:
Inborn genetic diseases. Identifiers: MedGen C0950123, MeSH D030342.

Submissions (2):

Ambry Genetics
Classification: Uncertain significance for Inborn genetic diseases. Last evaluated: 2025-08-19. Review status: criteria provided, single submitter. Criteria: Ambry Variant Classification Scheme 2023. Collection method: clinical testing. Allele origin: germline.
Comment: The c.594_596delCGCinsTGA variant, located in coding exon 1 of the WT1 gene, results from an in-frame deletion of CGC and insertion of TGA at nucleotide positions 594 to 596. This results in the substitution of the alanine residue for a glutamic acid residue at codon 199, an amino acid with dissimilar properties. This amino acid position is not well conserved in available vertebrate species. This alteration is predicted to be tolerated by BayesDel in silico analysis. Based on the available evidence, the clinical significance of this variant remains unclear.

Gharavi Laboratory, Columbia University
Classification: Uncertain significance. Last evaluated: 2018-09-16. Review status: no assertion criteria provided. Criteria: ACMG Guidelines, 2015. Collection method: research. Allele origin: germline. Affected: yes. Not counted in ClinVar's aggregate classification.